The following is an entry in ClinVar:

ClinVar aggregate classification (germline): other (0 of 4 stars; one submission).

Conditions:
Familial colorectal cancer. Identifiers: MedGen CN280943, MONDO:0023113. Disease mechanism: loss of function.

Submission:

Systems Biology Platform Zhejiang California International NanoSystems Institute
Classification: other for Familial colorectal cancer. Review status: no assertion criteria provided. Collection method: not provided. Allele origin: unknown.
ClinVar note: Converted during submission from cancer to other.

NM_000038.6(APC):c.-19+797C>A

Gene: APC (APC regulator of WNT signaling pathway; plus strand). Cytogenetic location: 5q22.2.
Variant type: single nucleotide variant.
Coding change: c.-19+797C>A on transcript NM_000038.6 (MANE Select); 797 bases into the intron after 19 bases upstream of the start codon, C replaced by A.
Molecular consequence: intron variant.
Genome position (GRCh38, 1-based): chr5:112,738,722, C>A. VCF-style: chr5-112738722-C-A. GRCh37 (hg19) VCF-style: chr5-112074419-C-A.
Other names: c.-18-16151C>A (NM_001354895.2); c.166-27604C>A (NM_001354897.2, NM_001354902.2, NM_001127511.3); c.-19+262C>A (NM_001127510.3); c.60+262C>A (NM_001354898.2, NM_001354904.2); c.-1054+797C>A (NM_001354906.2); c.-19+797C>A (NM_001354896.2, NM_001354903.2, NM_001354899.2); c.-43+797C>A (NM_001354900.2, NM_001354901.2, NM_001354905.2).
Identifiers: ClinVar variation 82745 (VCV000082745.2), dbSNP rs78386365, ClinGen allele CA007055.